The following is an entry in ClinVar:

NM_001007792.1(NTRK1):c.122+9T>C

Genes: INSRR (insulin receptor related receptor; minus strand), NTRK1 (neurotrophic receptor tyrosine kinase 1; plus strand). Cytogenetic location: 1q23.1.
Variant type: single nucleotide variant.
Coding change: c.122+9T>C on transcript NM_001007792.1; 9 bases into the intron after coding-DNA position 122, T replaced by C.
Molecular consequence: intron variant. On other transcripts: genic upstream transcript variant (1), missense variant (1).
Genome position (GRCh38, 1-based): chr1:156,842,202, T>C. VCF-style: chr1-156842202-T-C. GRCh37 (hg19) VCF-style: chr1-156811994-T-C.
Other names: c.-18733T>C (NM_001012331.2); c.3307A>G, p.Met1103Val (NM_014215.3); short protein forms M1103V.
Identifiers: ClinVar variation 4688298 (VCV004688298.1).

ClinVar aggregate classification (germline): Uncertain significance (1 of 4 stars; one submission).

gnomAD v4.1: 207 of 1,614,080 alleles (0.013%); highest among the groups gnomAD compares: Non-Finnish European, 0.0013%; 1 homozygote.

Submission:

Women's Health and Genetics/Laboratory Corporation of America, LabCorp
Classification: Uncertain significance. Last evaluated: 2025-12-15. Review status: criteria provided, single submitter. Criteria: LabCorp Variant Classification Summary - May 2015. Collection method: clinical testing. Allele origin: germline.
Comment: Variant summary: NTRK1 c.-18733T>C is located in the untranscribed region upstream of the NTRK1 gene region. The variant allele was found at a frequency of 0.00033 in 251198 control chromosomes. This frequency is not significantly higher than estimated for disease-causing variants in NTRK1, allowing no conclusion about variant significance. To our knowledge, no occurrence of c.-18733T>C in individuals affected with NTRK1-related conditions and no experimental evidence demonstrating its impact on protein function have been reported. No submitters have cited clinical-significance assessments for this variant to ClinVar. Based on the evidence outlined above, the variant was classified as uncertain significance.